The following is an entry in ClinVar:

ClinVar aggregate classification (germline): Likely benign. Review status: criteria provided, multiple submitters, no conflicts (2 of 4 stars). 2 submissions from 2 submitters: Likely benign (2). Last evaluated 2024-06-13.

Conditions:
Familial cancer of breast. Also called: hereditary breast carcinoma; Hereditary breast cancer; BREAST CANCER, FAMILIAL. Identifiers: Orphanet 227535, MedGen C0346153, MONDO:0016419, OMIM 114480. Disease mechanism: loss of function.
Ataxia-telangiectasia syndrome (AT). Also called: Ataxia telangiectasia (A-T); Cerebello-oculocutaneous telangiectasia; Immunodeficiency with ataxia telangiectasia; LOUIS-BAR SYNDROME; AT, COMPLEMENTATION GROUP C; ATAXIA-TELANGIECTASIA, FRESNO VARIANT. Identifiers: Orphanet 100, MedGen C0004135, MONDO:0008840, OMIM 208900.

Allele frequency attached by ClinVar (database versions not stated): gnomAD exomes below 0.00001.
gnomAD v4.1: 1 of 1,612,070 alleles (0.000062%); highest among the groups gnomAD compares: Non-Finnish European, 0.000085%; no homozygotes.

Submissions (2):

Myriad Genetics, Inc.
Classification: Likely benign for Familial cancer of breast. Last evaluated: 2024-06-13. Review status: criteria provided, single submitter. Criteria: Myriad Autosomal Dominant, Autosomal Recessive and X-Linked Classification Criteria (2023). Collection method: clinical testing. Allele origin: unknown.
Comment: This variant is considered likely benign. This variant is intronic and is not expected to impact mRNA splicing.

Labcorp Genetics (formerly Invitae), Labcorp
Classification: Likely benign for Ataxia-telangiectasia syndrome. Last evaluated: 2024-01-04. Review status: criteria provided, single submitter. Criteria: Invitae Variant Classification Sherloc (09022015). Collection method: clinical testing. Allele origin: germline.

NM_000051.4(ATM):c.7308-9C>T

Genes: ATM (ATM serine/threonine kinase; plus strand), C11orf65 (chromosome 11 open reading frame 65; minus strand). Cytogenetic location: 11q22.3.
Variant type: single nucleotide variant.
Coding change: c.7308-9C>T on transcript NM_000051.4 (MANE Select); 9 bases into the intron before coding-DNA position 7308, C replaced by T.
Molecular consequence: intron variant.
Genome position (GRCh38, 1-based): chr11:108,330,205, C>T. VCF-style: chr11-108330205-C-T. GRCh37 (hg19) VCF-style: chr11-108200932-C-T.
Other names: c.7308-9C>T (NM_001351834.2); c.641-21134G>A (NM_001330368.2); c.*38+5015G>A (NM_001351110.2).
Identifiers: ClinVar variation 236769 (VCV000236769.11), dbSNP rs878853541, ClinGen allele CA10582849.